The following is an entry in ClinVar:

NM_002163.4(IRF8):c.53T>C (p.Ile18Thr)

Gene: IRF8 (interferon regulatory factor 8; plus strand). Cytogenetic location: 16q24.1.
Variant type: single nucleotide variant.
Coding change: c.53T>C on transcript NM_002163.4 (MANE Select); coding-DNA position 53, T replaced by C.
Protein change: p.Ile18Thr; replaces isoleucine 18 with threonine.
Molecular consequence: missense variant. On other transcripts: 5 prime UTR variant (1).
Genome position (GRCh38, 1-based): chr16:85,903,068, T>C. VCF-style: chr16-85903068-T-C. GRCh37 (hg19) VCF-style: chr16-85936674-T-C.
Other names: c.83T>C, p.Ile28Thr (NM_001363907.1); c.-454T>C (NM_001363908.1); short protein forms I18T, I28T.
Identifiers: ClinVar variation 3341827 (VCV003341827.16).

ClinVar aggregate classification (germline): Uncertain significance (1 of 4 stars; one submission).

gnomAD v4.1: 11 of 1,614,210 alleles (0.00068%); highest among the groups gnomAD compares: Non-Finnish European, 0.00085%; no homozygotes.

Submission:

CeGaT Center for Human Genetics Tuebingen
Classification: Uncertain significance. Last evaluated: 2024-08-01. Review status: criteria provided, single submitter. Criteria: CeGaT Center For Human Genetics Tuebingen Variant Classification Criteria Version 2. Collection method: clinical testing. Allele origin: germline. Affected: yes. Observed: 1 variant allele.
Comment: IRF8: PP3